The following is an entry in ClinVar:

ClinVar aggregate classification (germline): Pathogenic (1 of 4 stars; one submission).

Conditions:
Cockayne spectrum with or without cerebrooculofacioskeletal syndrome. Identifiers: MedGen CN315928, MONDO:0100506.

Submission:

Myriad Genetics, Inc.
Classification: Pathogenic for Cockayne spectrum with or without cerebrooculofacioskeletal syndrome. Last evaluated: 2024-02-27. Review status: criteria provided, single submitter. Criteria: Myriad Autosomal Dominant, Autosomal Recessive and X-Linked Classification Criteria (2023). Collection method: clinical testing. Allele origin: unknown.
Comment: NM_000124.2(ERCC6):c.1763G>A(W588*) is expected to be pathogenic in the context of ERCC6-related disorders. This variant is predicted to lead to an abnormal or absent protein product due to the creation of a premature termination codon in ERCC6, a gene where loss-of-function variants are known to be pathogenic. Please note: this variant was assessed in the context of healthy population screening.

NM_000124.4(ERCC6):c.1763G>A (p.Trp588Ter)

Gene: ERCC6 (ERCC excision repair 6, chromatin remodeling factor; minus strand). Cytogenetic location: 10q11.23.
Variant type: single nucleotide variant.
Coding change: c.1763G>A on transcript NM_000124.4 (MANE Select); coding-DNA position 1763, G replaced by A.
Protein change: p.Trp588Ter; replaces tryptophan 588 with a stop codon.
Molecular consequence: nonsense.
Genome position (GRCh38, 1-based): chr10:49,493,175, C>T on the plus strand (G>A on the coding strand, the complement: ERCC6 is on the minus strand). VCF-style: chr10-49493175-C-T. GRCh37 (hg19) VCF-style: chr10-50701221-C-T.
Other names: c.1763G>A, p.Trp588Ter (NM_001346440.2); short protein forms W588*.
Identifiers: ClinVar variation 5012780 (VCV005012780.1).
Genomic context (GRCh38, chr10:49,493,175, plus strand): 5'-ACCTTTTTGTGGGTATAGGAACCGGTTTCATGTAGAATTGCCACTCTGAACGGAGGCCAC[C>T]ACGTGTGAAATTCCTTCACCCACTGATGCATCACTGTTGTTGGACAGACAATTACAGTTG-3'